The following is an entry in ClinVar:

NM_007129.5(ZIC2):c.1459G>C (p.Gly487Arg)

Gene: ZIC2 (Zic family member 2; plus strand). Cytogenetic location: 13q32.3.
Variant type: single nucleotide variant.
Coding change: c.1459G>C on transcript NM_007129.5 (MANE Select); coding-DNA position 1459, G replaced by C.
Protein change: p.Gly487Arg; replaces glycine 487 with arginine.
Molecular consequence: missense variant.
Genome position (GRCh38, 1-based): chr13:99,985,542, G>C. VCF-style: chr13-99985542-G-C. GRCh37 (hg19) VCF-style: chr13-100637796-G-C.
Other names: short protein forms G487R.
Identifiers: ClinVar variation 1710709 (VCV001710709.2), dbSNP rs2053262371, ClinGen allele CA388639605.

ClinVar aggregate classification (germline): Uncertain significance (1 of 4 stars; one submission).

Submission:

GeneDx
Classification: Uncertain significance. Last evaluated: 2022-04-11. Review status: criteria provided, single submitter. Criteria: GeneDx Variant Classification Process June 2021. Collection method: clinical testing. Allele origin: germline. Affected: yes.
Comment: Not observed at significant frequency in large population cohorts (gnomAD); In silico analysis supports that this missense variant does not alter protein structure/function; Has not been previously published as pathogenic or benign to our knowledge